The following is an entry in ClinVar:

NM_000051.4(ATM):c.3946A>C (p.Thr1316Pro)

Gene: ATM (ATM serine/threonine kinase; plus strand). Cytogenetic location: 11q22.3.
Variant type: single nucleotide variant.
Coding change: c.3946A>C on transcript NM_000051.4 (MANE Select); coding-DNA position 3946, A replaced by C.
Protein change: p.Thr1316Pro; replaces threonine 1316 with proline.
Molecular consequence: missense variant.
Genome position (GRCh38, 1-based): chr11:108,284,426, A>C. VCF-style: chr11-108284426-A-C. GRCh37 (hg19) VCF-style: chr11-108155153-A-C.
Other names: c.3946A>C, p.Thr1316Pro (NM_001351834.2); short protein forms T1316P.
Identifiers: ClinVar variation 1736385 (VCV001736385.2), dbSNP rs1555093708, ClinGen allele CA382525987.
Genomic context (GRCh38, chr11:108,284,426, plus strand): 5'-CCTTATTTTGCCTATGAGGGTACCAGAGACAGTGGGATGGCACAGCAAAGAGAGACTGCT[A>C]CCAAGGTCTATGATATGCTTAAAAGTGAAAACTTATTGGGAAAACAGGTATGGCTTCAAT-3'
Protein context (NP_000042.3, residues 1306-1326): SGMAQQRETA[Thr1316Pro]KVYDMLKSEN

ClinVar aggregate classification (germline): Uncertain significance (1 of 4 stars; one submission).

Conditions:
Hereditary cancer-predisposing syndrome. Also called: Neoplastic Syndromes, Hereditary; Tumor predisposition; Hereditary Cancer Syndrome; Hereditary neoplastic syndrome. Identifiers: Orphanet 140162, MedGen C0027672, MeSH D009386, MONDO:0015356.

Submission:

Ambry Genetics
Classification: Uncertain significance for Hereditary cancer-predisposing syndrome. Last evaluated: 2020-12-30. Review status: criteria provided, single submitter. Criteria: Ambry Variant Classification Scheme 2023. Collection method: clinical testing. Allele origin: germline.
Comment: The p.T1316P variant (also known as c.3946A>C), located in coding exon 25 of the ATM gene, results from an A to C substitution at nucleotide position 3946. The threonine at codon 1316 is replaced by proline, an amino acid with highly similar properties. This amino acid position is not well conserved in available vertebrate species. In addition, this alteration is predicted to be tolerated by in silico analysis. Since supporting evidence is limited at this time, the clinical significance of this alteration remains unclear.